The following is an entry in ClinVar:

ClinVar aggregate classification (germline): Uncertain significance (1 of 4 stars; one submission).

Submission:

Ambry Genetics
Classification: Uncertain significance. Last evaluated: 2025-03-26. Review status: criteria provided, single submitter. Criteria: Ambry Variant Classification Scheme 2023. Collection method: clinical testing. Allele origin: germline.
Comment: The p.Q1166P variant (also known as c.3497A>C), located in coding exon 13 of the CDK12 gene, results from an A to C substitution at nucleotide position 3497. The glutamine at codon 1166 is replaced by proline, an amino acid with similar properties. This amino acid position is conserved. In addition, this alteration is predicted to be tolerated by in silico analysis. Based on the available evidence, the clinical significance of this variant remains unclear.

NM_016507.4(CDK12):c.3497A>C (p.Gln1166Pro)

Gene: CDK12 (cyclin dependent kinase 12; plus strand). Cytogenetic location: 17q12.
Variant type: single nucleotide variant.
Coding change: c.3497A>C on transcript NM_016507.4 (MANE Select); coding-DNA position 3497, A replaced by C.
Protein change: p.Gln1166Pro; replaces glutamine 1166 with proline.
Molecular consequence: missense variant.
Genome position (GRCh38, 1-based): chr17:39,526,053, A>C. VCF-style: chr17-39526053-A-C. GRCh37 (hg19) VCF-style: chr17-37682306-A-C.
Other names: c.3497A>C, p.Gln1166Pro (NM_015083.4); short protein forms Q1166P.
Identifiers: ClinVar variation 3999272 (VCV003999272.1).